The following is an entry in ClinVar:

NM_000097.7(CPOX):c.146G>A (p.Arg49Gln)

Genes: CPOX (coproporphyrinogen oxidase; minus strand), LOC129937121 (ATAC-STARR-seq lymphoblastoid silent region 14560; plus strand). Cytogenetic location: 3q11.2.
Variant type: single nucleotide variant.
Coding change: c.146G>A on transcript NM_000097.7 (MANE Select); coding-DNA position 146, G replaced by A.
Protein change: p.Arg49Gln; replaces arginine 49 with glutamine.
Molecular consequence: missense variant.
Genome position (GRCh38, 1-based): chr3:98,593,359, C>T on the plus strand (G>A on the coding strand, the complement: CPOX is on the minus strand). VCF-style: chr3-98593359-C-T. GRCh37 (hg19) VCF-style: chr3-98312203-C-T.
Other names: short protein forms R49Q.
Identifiers: ClinVar variation 1910631 (VCV001910631.5), dbSNP rs1370938707, ClinGen allele CA353647053.

ClinVar aggregate classification (germline): Uncertain significance (1 of 4 stars; one submission).

Allele frequency attached by ClinVar (database versions not stated): TOPMed below 0.00001; gnomAD 0.00001.
gnomAD v4.1: 8 of 1,339,662 alleles (0.0006%); highest among the groups gnomAD compares: Non-Finnish European, 0.00076%; no homozygotes.

Submission:

Labcorp Genetics (formerly Invitae), Labcorp
Classification: Uncertain significance. Last evaluated: 2024-10-24. Review status: criteria provided, single submitter. Criteria: Invitae Variant Classification Sherloc (09022015). Collection method: clinical testing. Allele origin: germline.
Comment: This sequence change replaces arginine, which is basic and polar, with glutamine, which is neutral and polar, at codon 49 of the CPOX protein (p.Arg49Gln). This variant is not present in population databases (gnomAD no frequency). This variant has not been reported in the literature in individuals affected with CPOX-related conditions. ClinVar contains an entry for this variant (Variation ID: 1910631). An algorithm developed to predict the effect of missense changes on protein structure and function outputs the following: PolyPhen-2: "Benign". The glutamine amino acid residue is found in multiple mammalian species, which suggests that this missense change does not adversely affect protein function. In summary, the available evidence is currently insufficient to determine the role of this variant in disease. Therefore, it has been classified as a Variant of Uncertain Significance.